The following is an entry in ClinVar:

NM_170606.3(KMT2C):c.11386G>A (p.Gly3796Ser)

Gene: KMT2C (lysine methyltransferase 2C; minus strand). Cytogenetic location: 7q36.1.
Variant type: single nucleotide variant.
Coding change: c.11386G>A on transcript NM_170606.3 (MANE Select); coding-DNA position 11386, G replaced by A.
Protein change: p.Gly3796Ser; replaces glycine 3796 with serine.
Molecular consequence: missense variant.
Genome position (GRCh38, 1-based): chr7:152,162,191, C>T on the plus strand (G>A on the coding strand, the complement: KMT2C is on the minus strand). VCF-style: chr7-152162191-C-T. GRCh37 (hg19) VCF-style: chr7-151859276-C-T.
Other names: short protein forms G3796S.
Identifiers: ClinVar variation 2108681 (VCV002108681.4), dbSNP rs2092491509, ClinGen allele CA370100810.

ClinVar aggregate classification (germline): Uncertain significance (1 of 4 stars; one submission).

Allele frequency attached by ClinVar (database versions not stated): gnomAD exomes below 0.00001; TOPMed below 0.00001.
gnomAD v4.1: 1 of 1,613,124 alleles (0.000062%); highest among the groups gnomAD compares: South Asian, 0.0011%; no homozygotes.

Submission:

Labcorp Genetics (formerly Invitae), Labcorp
Classification: Uncertain significance. Last evaluated: 2022-03-11. Review status: criteria provided, single submitter. Criteria: Invitae Variant Classification Sherloc (09022015). Collection method: clinical testing. Allele origin: germline.
Comment: In summary, the available evidence is currently insufficient to determine the role of this variant in disease. Therefore, it has been classified as a Variant of Uncertain Significance. Algorithms developed to predict the effect of missense changes on protein structure and function output the following: SIFT: "Tolerated"; PolyPhen-2: "Benign"; Align-GVGD: "Class C0". The serine amino acid residue is found in multiple mammalian species, which suggests that this missense change does not adversely affect protein function. This variant has not been reported in the literature in individuals affected with KMT2C-related conditions. This variant is not present in population databases (gnomAD no frequency). This sequence change replaces glycine, which is neutral and non-polar, with serine, which is neutral and polar, at codon 3796 of the KMT2C protein (p.Gly3796Ser).